The following is an entry in ClinVar:

NM_000812.4(GABRB1):c.1329G>A (p.Leu443=)

Gene: GABRB1 (gamma-aminobutyric acid type A receptor subunit beta1; plus strand). Cytogenetic location: 4p12.
Variant type: single nucleotide variant.
Coding change: c.1329G>A on transcript NM_000812.4 (MANE Select); coding-DNA position 1329, G replaced by A.
Protein change: p.Leu443=; no amino-acid change (leucine 443 retained).
Molecular consequence: synonymous variant.
Genome position (GRCh38, 1-based): chr4:47,425,922, G>A. VCF-style: chr4-47425922-G-A. GRCh37 (hg19) VCF-style: chr4-47427939-G-A.
Identifiers: ClinVar variation 774614 (VCV000774614.39), dbSNP rs6288, ClinGen allele CA2907809.

ClinVar aggregate classification (germline): Benign/Likely benign. Review status: criteria provided, multiple submitters, no conflicts (2 of 4 stars). 4 submissions from 4 submitters: Benign (2); Likely benign (2). Last evaluated 2026-05-01.

Allele frequency attached by ClinVar (database versions not stated): 1000 Genomes Project 0.00040; 1000 Genomes Project 30x 0.00047; TOPMed 0.00222; gnomAD exomes 0.00223 and 0.00380; gnomAD 0.00229 and 0.00244; ExAC 0.00254; ESP Exome Variant Server 0.00323.
gnomAD v4.1: 5,834 of 1,614,128 alleles (0.36%); highest among the groups gnomAD compares: Non-Finnish European, 0.47%; 16 homozygotes.

Submissions (4):

CeGaT Center for Human Genetics Tuebingen
Classification: Likely benign. Last evaluated: 2026-05-01. Review status: criteria provided, single submitter. Criteria: CeGaT Center For Human Genetics Tuebingen Variant Classification Criteria Version 2. Collection method: clinical testing. Allele origin: germline. Affected: yes. Observed: 8 variant alleles.
Comment: GABRB1: BP4, BS2

Labcorp Genetics (formerly Invitae), Labcorp
Classification: Benign. Last evaluated: 2026-02-03. Review status: criteria provided, single submitter. Criteria: Invitae Variant Classification Sherloc (09022015). Collection method: clinical testing. Allele origin: germline.

Blueprint Genetics
Classification: Likely benign. Last evaluated: 2024-11-25. Review status: criteria provided, single submitter. Criteria: ACMG Guidelines, 2015. Collection method: clinical testing. Allele origin: germline.

Breakthrough Genomics
Classification: Benign. Review status: criteria provided, single submitter. Criteria: ACMG Guidelines, 2015. Collection method: not provided. Allele origin: germline. Inheritance: Autosomal dominant inheritance. Affected: yes.